The following is an entry in ClinVar:

ClinVar aggregate classification (germline): Uncertain significance (1 of 4 stars; one submission).

Allele frequency attached by ClinVar (database versions not stated): gnomAD 0.00003; gnomAD exomes 0.00005 and 0.00022; TOPMed 0.00011; ExAC 0.00017; 1000 Genomes Project 0.00020; 1000 Genomes Project 30x 0.00031.
gnomAD v4.1: 70 of 1,614,178 alleles (0.0043%); highest among the groups gnomAD compares: Admixed American, 0.12%; no homozygotes.

Submission:

Labcorp Genetics (formerly Invitae), Labcorp
Classification: Uncertain significance. Last evaluated: 2025-12-12. Review status: criteria provided, single submitter. Criteria: Invitae Variant Classification Sherloc (09022015). Collection method: clinical testing. Allele origin: germline.
Comment: This sequence change replaces serine, which is neutral and polar, with leucine, which is neutral and non-polar, at codon 255 of the RBM48 protein (p.Ser255Leu). This variant is present in population databases (rs191557887, gnomAD 0.2%), and has an allele count higher than expected for a pathogenic variant. This variant has not been reported in the literature in individuals affected with RBM48-related conditions. ClinVar contains an entry for this variant (Variation ID: 1442249). Invitae Evidence Modeling of protein sequence and biophysical properties (such as structural, functional, and spatial information, amino acid conservation, physicochemical variation, residue mobility, and thermodynamic stability) indicates that this missense variant is not expected to disrupt RBM48 protein function with a negative predictive value of 80%. In summary, the available evidence is currently insufficient to determine the role of this variant in disease. Therefore, it has been classified as a Variant of Uncertain Significance.

NM_032120.4(RBM48):c.764C>T (p.Ser255Leu)

Gene: RBM48 (RNA binding motif protein 48; plus strand). Cytogenetic location: 7q21.2.
Variant type: single nucleotide variant.
Coding change: c.764C>T on transcript NM_032120.4 (MANE Select); coding-DNA position 764, C replaced by T.
Protein change: p.Ser255Leu; replaces serine 255 with leucine.
Molecular consequence: missense variant.
Genome position (GRCh38, 1-based): chr7:92,534,717, C>T. VCF-style: chr7-92534717-C-T. GRCh37 (hg19) VCF-style: chr7-92164031-C-T.
Other names: c.764C>T, p.Ser255Leu (NM_001363366.1); c.239C>T, p.Ser80Leu (NM_001363367.1); short protein forms S255L, S80L.
Identifiers: ClinVar variation 1442249 (VCV001442249.6), dbSNP rs191557887, ClinGen allele CA4341931.
Genomic context (GRCh38, chr7:92,534,717, plus strand): 5'-TGGGGCATTATAACCACAATGACTCTTTGCGGAAAACACAGATAAACTCTTTGAAAAACT[C>T]AGTGGCCTGCCCTGGTGCACAAAAGGCTATTACGTCTTCAGAGGCAGTTGACAGATTTAT-3'
Protein context (NP_115496.2, residues 245-265): RKTQINSLKN[Ser255Leu]VACPGAQKAI